The following is an entry in ClinVar:

ClinVar aggregate classification (germline): Benign (1 of 4 stars; one submission).

Conditions:
Episodic ataxia type 5. Identifiers: Orphanet 211067, MedGen C1866039, MONDO:0013464, OMIM 613855.

Allele frequency attached by ClinVar (database versions not stated): gnomAD 0.00014 and 0.00020; TOPMed 0.00026; 1000 Genomes Project 0.00060; 1000 Genomes Project 30x 0.00062.

Submission:

Illumina Laboratory Services, Illumina
Classification: Benign for Episodic ataxia type 5. Last evaluated: 2018-01-12. Review status: criteria provided, single submitter. Criteria: ICSL Variant Classification Criteria 13 December 2019. Collection method: clinical testing. Allele origin: germline.
Comment: This variant was observed in the ICSL laboratory as part of a predisposition screen in an ostensibly healthy population. It had not been previously curated by ICSL or reported in the Human Gene Mutation Database (HGMD: prior to June 1st, 2018), and was therefore a candidate for classification through an automated scoring system. Utilizing variant allele frequency, disease prevalence and penetrance estimates, and inheritance mode, an automated score was calculated to assess if this variant is too frequent to cause the disease. Based on the score and internal cut-off values, a variant classified as benign is not then subjected to further curation. The score for this variant resulted in a classification of benign for this disease.

NM_000726.5(CACNB4):c.*1009C>T

Gene: CACNB4 (calcium voltage-gated channel auxiliary subunit beta 4; minus strand). Cytogenetic location: 2q23.3.
Variant type: single nucleotide variant.
Coding change: c.*1009C>T on transcript NM_000726.5 (MANE Select); 1009 bases downstream of the stop codon, C replaced by T.
Molecular consequence: 3 prime UTR variant.
Genome position (GRCh38, 1-based): chr2:151,838,110, G>A on the plus strand (C>T on the coding strand, the complement: CACNB4 is on the minus strand). VCF-style: chr2-151838110-G-A. GRCh37 (hg19) VCF-style: chr2-152694624-G-A.
Other names: c.*1009C>T (NM_001005746.4, NM_001005747.4, NM_001145798.3 and 7 more transcripts).
Identifiers: ClinVar variation 331613 (VCV000331613.6), dbSNP rs367723727, ClinGen allele CA10612587.